The following is an entry in ClinVar:

ClinVar aggregate classification (germline): Likely pathogenic (1 of 4 stars; one submission).

Allele frequency attached by ClinVar (database versions not stated): gnomAD exomes below 0.00001; gnomAD 0.00001; TOPMed 0.00001.
gnomAD v4.1: 4 of 1,613,748 alleles (0.00025%); highest among the groups gnomAD compares: Non-Finnish European, 0.00034%; no homozygotes.

Submission:

GeneDx
Classification: Likely pathogenic. Last evaluated: 2015-09-28. Review status: criteria provided, single submitter. Criteria: GeneDx Variant Classification (06012015). Collection method: clinical testing. Allele origin: germline. Affected: yes.
Comment: The C575Y variant in the FRAS1 gene has not been published as a pathogenic variant, nor has it been reported as a benign polymorphism to our knowledge. The C575Y variant was not observed in approximately 6100 individuals of European and African American ancestry in the NHLBI Exome Sequencing Project, indicating it is not a common benign variant in these populations. The C575Y variant is a non-conservative amino acid substitution, which is likely to impact secondary protein structure as these residues differ in polarity, charge, size and/or other properties. This substitution occurs at a position that is conserved across species, and in silico analysis predicts this variant is probably damaging to the protein structure/function. Therefore, the C575Y variant is a strong candidate for a pathogenic variant, however the possibility it may be a rare benign variant cannot be excluded.

NM_025074.7(FRAS1):c.1724G>A (p.Cys575Tyr)

Gene: FRAS1 (Fraser extracellular matrix complex subunit 1; plus strand). Cytogenetic location: 4q21.21.
Variant type: single nucleotide variant.
Coding change: c.1724G>A on transcript NM_025074.7 (MANE Select); coding-DNA position 1724, G replaced by A.
Protein change: p.Cys575Tyr; replaces cysteine 575 with tyrosine.
Molecular consequence: missense variant.
Genome position (GRCh38, 1-based): chr4:78,315,639, G>A. VCF-style: chr4-78315639-G-A. GRCh37 (hg19) VCF-style: chr4-79236793-G-A.
Other names: c.1724G>A, p.Cys575Tyr (NM_001166133.2); short protein forms C575Y.
Identifiers: ClinVar variation 429570 (VCV000429570.2), dbSNP rs1131691462, ClinGen allele CA357367886.
Genomic context (GRCh38, chr4:78,315,639, plus strand): 5'-TTTGCCTCCCCTTAGCTTGTGACCAATCCTGTGACAGTTGTGGCCCCAGTAGCCCCAGGT[G>A]TCTTACCTGTACTGAGAAGACAGTGCTGCATGATGGGAAATGCATGTCTGAATGCCCTGG-3'
Protein context (NP_079350.5, residues 565-585): CDSCGPSSPR[Cys575Tyr]LTCTEKTVLH